The following is an entry in ClinVar:

NM_005263.5(GFI1):c.714G>C (p.Lys238Asn)

Gene: GFI1 (growth factor independent 1 transcriptional repressor; minus strand). Cytogenetic location: 1p22.1.
Variant type: single nucleotide variant.
Coding change: c.714G>C on transcript NM_005263.5 (MANE Select); coding-DNA position 714, G replaced by C.
Protein change: p.Lys238Asn; replaces lysine 238 with asparagine.
Molecular consequence: missense variant.
Genome position (GRCh38, 1-based): chr1:92,480,673, C>G on the plus strand (G>C on the coding strand, the complement: GFI1 is on the minus strand). VCF-style: chr1-92480673-C-G. GRCh37 (hg19) VCF-style: chr1-92946230-C-G.
Other names: c.714G>C, p.Lys238Asn (NM_001127215.3, NM_001127216.3); short protein forms K238N.
Identifiers: ClinVar variation 4671586 (VCV004671586.1).
Genomic context (GRCh38, chr1:92,480,673, plus strand): 5'-GATGCACTTGTAGGAGCCGCCGCCCAGCAGCAGGCGGGTGCACAGCAGCTCCGACTCCAC[C>G]TTGACGCCAGCGCCCTTGTCTGCGTGCAGCCCGTGGCCACGCTCGGGGTACAGCAAGCCC-3'
Protein context (NP_005254.2, residues 228-248): GLHADKGAGV[Lys238Asn]VESELLCTRL

ClinVar aggregate classification (germline): Uncertain significance (1 of 4 stars; one submission).

gnomAD v4.1: 1 of 1,596,306 alleles (0.000063%); highest among the groups gnomAD compares: Non-Finnish European, 0.000085%; no homozygotes.

Submission:

Ambry Genetics
Classification: Uncertain significance. Last evaluated: 2025-10-28. Review status: criteria provided, single submitter. Criteria: Ambry Variant Classification Scheme 2023. Collection method: clinical testing. Allele origin: germline.
Comment: The p.K238N variant (also known as c.714G>C), located in coding exon 3 of the GFI1 gene, results from a G to C substitution at nucleotide position 714. The lysine at codon 238 is replaced by asparagine, an amino acid with similar properties. This amino acid position is conserved. In addition, this alteration is predicted to be tolerated by in silico analysis. Based on the available evidence, the clinical significance of this variant remains unclear.